The following is an entry in ClinVar:

NM_139318.5(KCNH5):c.2641G>A (p.Ala881Thr)

Gene: KCNH5 (potassium voltage-gated channel subfamily H member 5; minus strand). Cytogenetic location: 14q23.2.
Variant type: single nucleotide variant.
Coding change: c.2641G>A on transcript NM_139318.5 (MANE Select); coding-DNA position 2641, G replaced by A.
Protein change: p.Ala881Thr; replaces alanine 881 with threonine.
Molecular consequence: missense variant. On other transcripts: 3 prime UTR variant (1).
Genome position (GRCh38, 1-based): chr14:62,707,834, C>T on the plus strand (G>A on the coding strand, the complement: KCNH5 is on the minus strand). VCF-style: chr14-62707834-C-T. GRCh37 (hg19) VCF-style: chr14-63174552-C-T.
Other names: c.*608G>A (NM_172375.3); short protein forms A881T.
Identifiers: ClinVar variation 2790527 (VCV002790527.3), dbSNP rs772701292, ClinGen allele CA7217214.

ClinVar aggregate classification (germline): Uncertain significance (1 of 4 stars; one submission).

Conditions:
Early-infantile DEE. Also called: Early infantile epileptic encephalopathy; Early infantile epileptic encephalopathy with suppression bursts; Ohtahara syndrome. Identifiers: Orphanet 1934, MedGen C0393706, MONDO:0800491.

Allele frequency attached by ClinVar (database versions not stated): ExAC 0.00002; TOPMed below 0.00001; gnomAD 0.00001; gnomAD exomes 0.00001.
gnomAD v4.1: 17 of 1,613,950 alleles (0.0011%); highest among the groups gnomAD compares: South Asian, 0.018%; 1 homozygote.

Submission:

Labcorp Genetics (formerly Invitae), Labcorp
Classification: Uncertain significance for Early-infantile DEE. Last evaluated: 2023-10-10. Review status: criteria provided, single submitter. Criteria: Invitae Variant Classification Sherloc (09022015). Collection method: clinical testing. Allele origin: germline.
Comment: This sequence change replaces alanine, which is neutral and non-polar, with threonine, which is neutral and polar, at codon 881 of the KCNH5 protein (p.Ala881Thr). This variant is present in population databases (rs772701292, gnomAD 0.02%). This variant has not been reported in the literature in individuals affected with KCNH5-related conditions. Advanced modeling of protein sequence and biophysical properties (such as structural, functional, and spatial information, amino acid conservation, physicochemical variation, residue mobility, and thermodynamic stability) performed at Invitae indicates that this missense variant is not expected to disrupt KCNH5 protein function. In summary, the available evidence is currently insufficient to determine the role of this variant in disease. Therefore, it has been classified as a Variant of Uncertain Significance.